The following is an entry in ClinVar:

NM_182961.4(SYNE1):c.10549C>T (p.Gln3517Ter)

Gene: SYNE1 (spectrin repeat containing nuclear envelope protein 1; minus strand). Cytogenetic location: 6q25.2.
Variant type: single nucleotide variant.
Coding change: c.10549C>T on transcript NM_182961.4 (MANE Select); coding-DNA position 10549, C replaced by T.
Protein change: p.Gln3517Ter; replaces glutamine 3517 with a stop codon.
Molecular consequence: nonsense.
Genome position (GRCh38, 1-based): chr6:152,358,432, G>A on the plus strand (C>T on the coding strand, the complement: SYNE1 is on the minus strand). VCF-style: chr6-152358432-G-A. GRCh37 (hg19) VCF-style: chr6-152679567-G-A.
Other names: p.Gln3524*; c.10570C>T, p.Gln3524Ter (NM_033071.5); short protein forms Q3517*, Q3524*.
Identifiers: ClinVar variation 2682858 (VCV002682858.1), dbSNP rs748306486, ClinGen allele CA366127709.

ClinVar aggregate classification (germline): Likely pathogenic (1 of 4 stars; one submission).

gnomAD v4.1: 2 of 1,614,136 alleles (0.00012%); highest among the groups gnomAD compares: Non-Finnish European, 0.00017%; no homozygotes.

Submission:

Mayo Clinic Laboratories, Mayo Clinic
Classification: Likely pathogenic. Last evaluated: 2023-01-16. Review status: criteria provided, single submitter. Criteria: ACMG Guidelines, 2015. Collection method: clinical testing. Allele origin: germline. Observed: 1 variant allele.
Comment: PM2, PVS1